The following is an entry in ClinVar:

ClinVar aggregate classification (germline): Uncertain significance. Review status: criteria provided, multiple submitters, no conflicts (2 of 4 stars). 2 submissions from 2 submitters: Uncertain significance (2). Last evaluated 2025-12-01.

Allele frequency attached by ClinVar (database versions not stated): gnomAD exomes below 0.00001; TOPMed below 0.00001.
gnomAD v4.1: 4 of 1,614,090 alleles (0.00025%); highest among the groups gnomAD compares: Non-Finnish European, 0.00034%; no homozygotes.

Submissions (2):

CeGaT Center for Human Genetics Tuebingen
Classification: Uncertain significance. Last evaluated: 2025-12-01. Review status: criteria provided, single submitter. Criteria: CeGaT Center For Human Genetics Tuebingen Variant Classification Criteria Version 2. Collection method: clinical testing. Allele origin: germline. Affected: yes. Observed: 1 variant allele.

GeneDx
Classification: Uncertain significance. Last evaluated: 2023-03-06. Review status: criteria provided, single submitter. Criteria: GeneDx Variant Classification Process June 2021. Collection method: clinical testing. Allele origin: germline. Affected: yes.
Comment: In silico analysis supports that this missense variant does not alter protein structure/function; Has not been previously published as pathogenic or benign to our knowledge

NM_001130021.3(ATP6V0A1):c.1508A>G (p.Asn503Ser)

Gene: ATP6V0A1 (ATPase H+ transporting V0 subunit a1; plus strand). Cytogenetic location: 17q21.2.
Variant type: single nucleotide variant.
Coding change: c.1508A>G on transcript NM_001130021.3 (MANE Select); coding-DNA position 1508, A replaced by G.
Protein change: p.Asn503Ser; replaces asparagine 503 with serine.
Molecular consequence: missense variant. On other transcripts: intron variant (1).
Genome position (GRCh38, 1-based): chr17:42,495,664, A>G. VCF-style: chr17-42495664-A-G. GRCh37 (hg19) VCF-style: chr17-40647682-A-G.
Other names: c.1529A>G, p.Asn510Ser (NM_001130020.3, NM_001378522.1, NM_001378523.1 and 3 more transcripts); c.1631A>G, p.Asn544Ser (NM_001378530.1, NM_001378533.1, NM_001378551.1 and 1 more transcripts); c.1652A>G, p.Asn551Ser (NM_001378531.1, NM_001378532.1); c.1508A>G, p.Asn503Ser (NM_001378535.1, NM_001378537.1, NM_001378542.1 and 3 more transcripts); c.1400A>G, p.Asn467Ser (NM_001378536.1, NM_001378550.1, NM_001378556.1); c.1379A>G, p.Asn460Ser (NM_001378538.1, NM_001378540.1); c.1349A>G, p.Asn450Ser (NM_001378543.1, NM_001378553.1); c.1298A>G, p.Asn433Ser (NM_001378545.1, NM_001378554.1, NM_001378555.1); and 3 more; short protein forms N432S, N433S, N443S, N450S, N460S, N467S, N503S, N510S.
Identifiers: ClinVar variation 2579372 (VCV002579372.5), dbSNP rs1005848561, ClinGen allele CA290762675.
Genomic context (GRCh38, chr17:42,495,664, plus strand): 5'-GACTTTTTCCCTGTCATGGTAGTGAAGAGACGCTTCGGGGGAACCCTGTTCTACAGCTGA[A>G]CCCAGCCCTCCCTGGAGTGTTTGGTGGACCATACCCTTTTGGCATTGATCCAGTAAGAGG-3'
Protein context (NP_001123493.1, residues 493-513): TLRGNPVLQL[Asn503Ser]PALPGVFGGP